The following is an entry in ClinVar:

NM_005228.5(EGFR):c.1132G>A (p.Gly378Ser)

Genes: EGFR (epidermal growth factor receptor; plus strand), LOC126860048 (P300/CBP strongly-dependent group 1 enhancer GRCh37_chr7:55223847-55225046; plus strand). Cytogenetic location: 7p11.2.
Variant type: single nucleotide variant.
Coding change: c.1132G>A on transcript NM_005228.5 (MANE Select); coding-DNA position 1132, G replaced by A.
Protein change: p.Gly378Ser; replaces glycine 378 with serine.
Molecular consequence: missense variant.
Genome position (GRCh38, 1-based): chr7:55,156,658, G>A. VCF-style: chr7-55156658-G-A. GRCh37 (hg19) VCF-style: chr7-55224351-G-A.
Other names: c.997G>A, p.Gly333Ser (NM_001346897.2, NM_001346899.2); c.1132G>A, p.Gly378Ser (NM_001346898.2, NM_201282.2, NM_201283.2 and 1 more transcripts); c.973G>A, p.Gly325Ser (NM_001346900.2); c.331G>A, p.Gly111Ser (NM_001346941.2); short protein forms G325S, G333S, G378S, G111S.
Identifiers: ClinVar variation 2013164 (VCV002013164.4), dbSNP rs2128938460, ClinGen allele CA367578467.
Genomic context (GRCh38, chr7:55,156,658, plus strand): 5'-CACTTCAAAAACTGCACCTCCATCAGTGGCGATCTCCACATCCTGCCGGTGGCATTTAGG[G>A]GGTGAGTCACAGGTTCAGTTGCTTGTATAAAGAAAAACAAAATCTGCCTTTTTAACTGGT-3'
Protein context (NP_005219.2, residues 368-388): DLHILPVAFR[Gly378Ser]DSFTHTPPLD

ClinVar aggregate classification (germline): Uncertain significance (1 of 4 stars; one submission).

Conditions:
EGFR-related lung cancer (EGFR). Identifiers: MedGen CN130014.

Submission:

Labcorp Genetics (formerly Invitae), Labcorp
Classification: Uncertain significance for EGFR-related lung cancer. Last evaluated: 2022-07-02. Review status: criteria provided, single submitter. Criteria: Invitae Variant Classification Sherloc (09022015). Collection method: clinical testing. Allele origin: germline.
Comment: This sequence change replaces glycine, which is neutral and non-polar, with serine, which is neutral and polar, at codon 378 of the EGFR protein (p.Gly378Ser). This variant is not present in population databases (gnomAD no frequency). This variant has not been reported in the literature in individuals affected with EGFR-related conditions. Algorithms developed to predict the effect of missense changes on protein structure and function are either unavailable or do not agree on the potential impact of this missense change (SIFT: "Tolerated"; PolyPhen-2: "Probably Damaging"; Align-GVGD: "Class C0"). In summary, the available evidence is currently insufficient to determine the role of this variant in disease. Therefore, it has been classified as a Variant of Uncertain Significance.